The following is an entry in ClinVar:

ClinVar aggregate classification (germline): Benign/Likely benign. Review status: criteria provided, multiple submitters, no conflicts (2 of 4 stars). 2 submissions from 2 submitters: Benign (1); Likely benign (1). Last evaluated 2025-11-19.

Conditions:
Myopathy, tubular aggregate, 2 (TAM2). Identifiers: MedGen C4014557, MONDO:0014383, OMIM 615883.
Combined immunodeficiency due to ORAI1 deficiency. Also called: IMMUNODEFICIENCY 9. Identifiers: Orphanet 169090, Orphanet 317428, MedGen C2748568, MONDO:0013007, OMIM 612782.

Allele frequency attached by ClinVar (database versions not stated): gnomAD 0.00003 and 0.00004; TOPMed 0.00003; gnomAD exomes 0.00007 and 0.00008; ExAC 0.00014.

Submissions (2):

Labcorp Genetics (formerly Invitae), Labcorp
Classification: Likely benign for Myopathy, tubular aggregate, 2; Combined immunodeficiency due to ORAI1 deficiency. Last evaluated: 2025-11-19. Review status: criteria provided, single submitter. Criteria: Invitae Variant Classification Sherloc (09022015). Collection method: clinical testing. Allele origin: germline.

Laboratory for Molecular Medicine, Mass General Brigham Personalized Medicine
Classification: Benign. Last evaluated: 2016-03-29. Review status: criteria provided, single submitter. Criteria: LMM Criteria. Collection method: clinical testing. Allele origin: germline.
Comment: Variant identified in a genome or exome case(s) and assessed due to predicted null impact of the variant or pathogenic assertions in the literature or databases. Disclaimer: This variant has not undergone full assessment. The following are preliminary notes: Frequency

NM_032790.4(ORAI1):c.540C>T (p.Thr180=)

Gene: ORAI1 (ORAI calcium release-activated calcium modulator 1; plus strand). Cytogenetic location: 12q24.31.
Variant type: single nucleotide variant.
Coding change: c.540C>T on transcript NM_032790.4 (MANE Select); coding-DNA position 540, C replaced by T.
Protein change: p.Thr180=; no amino-acid change (threonine 180 retained).
Genome position (GRCh38, 1-based): chr12:121,641,277, C>T. VCF-style: chr12-121641277-C-T. GRCh37 (hg19) VCF-style: chr12-122079183-C-T.
Other names: NM_032790.3:c.546C>T.
Identifiers: ClinVar variation 403278 (VCV000403278.14), dbSNP rs782560001, ClinGen allele CA6837509.